The following is an entry in ClinVar:

ClinVar aggregate classification (germline): Likely pathogenic (1 of 4 stars; one submission).

Conditions:
Neurodevelopmental disorder with or without hyperkinetic movements and seizures, autosomal dominant. Also called: Intellectual disability, autosomal dominant 8. Identifiers: MedGen C3280282, MONDO:0013655, OMIM 614254.

Submission:

Labcorp Genetics (formerly Invitae), Labcorp
Classification: Likely pathogenic for Neurodevelopmental disorder with or without hyperkinetic movements and seizures, autosomal dominant. Last evaluated: 2023-10-03. Review status: criteria provided, single submitter. Criteria: Invitae Variant Classification Sherloc (09022015). Collection method: clinical testing. Allele origin: germline.
Comment: This sequence change affects an acceptor splice site in intron 6 of the GRIN1 gene. It is expected to disrupt RNA splicing. Variants that disrupt the donor or acceptor splice site typically lead to a loss of protein function (PMID: 16199547), and loss-of-function variants in GRIN1 are known to be pathogenic (PMID: 27164704, 35393335). This variant is not present in population databases (gnomAD no frequency). This variant has not been reported in the literature in individuals affected with GRIN1-related conditions. Algorithms developed to predict the effect of sequence changes on RNA splicing suggest that this variant may disrupt the consensus splice site. In summary, the currently available evidence indicates that the variant is pathogenic, but additional data are needed to prove that conclusively. Therefore, this variant has been classified as Likely Pathogenic.

Literature cited by the submitters: PubMed 16199547; PubMed 27164704; PubMed 35393335.

NM_007327.4(GRIN1):c.969-1G>C

Gene: GRIN1 (glutamate ionotropic receptor NMDA type subunit 1; plus strand). Cytogenetic location: 9q34.3.
Variant type: single nucleotide variant.
Coding change: c.969-1G>C on transcript NM_007327.4 (MANE Select); the canonical splice acceptor site of the intron before coding-DNA position 969, G replaced by C.
Molecular consequence: splice acceptor variant.
Genome position (GRCh38, 1-based): chr9:137,158,378, G>C. VCF-style: chr9-137158378-G-C. GRCh37 (hg19) VCF-style: chr9-140052830-G-C.
Other names: c.1032-1G>C (NM_001185090.2, NM_001185091.2); c.969-1G>C (NM_021569.4, NM_000832.7).
Identifiers: ClinVar variation 2820459 (VCV002820459.3), dbSNP rs2538607864, ClinGen allele CA375715286.